The following is an entry in ClinVar:

ClinVar aggregate classification (germline): Uncertain significance. Review status: criteria provided, multiple submitters, no conflicts (2 of 4 stars). 2 submissions from 2 submitters: Uncertain significance (2). Last evaluated 2024-07-02.

Conditions:
Inborn genetic diseases. Identifiers: MedGen C0950123, MeSH D030342.

Allele frequency attached by ClinVar (database versions not stated): TOPMed 0.00002.
gnomAD v4.1: 15 of 1,614,068 alleles (0.00093%); highest among the groups gnomAD compares: African/African-American, 0.011%; no homozygotes.

Submissions (2):

Ambry Genetics
Classification: Uncertain significance for Inborn genetic diseases. Last evaluated: 2024-07-02. Review status: criteria provided, single submitter. Criteria: Ambry Variant Classification Scheme 2023. Collection method: clinical testing. Allele origin: germline.

Labcorp Genetics (formerly Invitae), Labcorp
Classification: Uncertain significance. Last evaluated: 2022-08-09. Review status: criteria provided, single submitter. Criteria: Invitae Variant Classification Sherloc (09022015). Collection method: clinical testing. Allele origin: germline.
Comment: This sequence change replaces valine, which is neutral and non-polar, with methionine, which is neutral and non-polar, at codon 586 of the TUBGCP6 protein (p.Val586Met). This variant is present in population databases (no rsID available, gnomAD 0.02%). This variant has not been reported in the literature in individuals affected with TUBGCP6-related conditions. ClinVar contains an entry for this variant (Variation ID: 942417). Algorithms developed to predict the effect of missense changes on protein structure and function output the following: SIFT: "Tolerated"; PolyPhen-2: "Probably Damaging"; Align-GVGD: "Class C0". The methionine amino acid residue is found in multiple mammalian species, which suggests that this missense change does not adversely affect protein function. In summary, the available evidence is currently insufficient to determine the role of this variant in disease. Therefore, it has been classified as a Variant of Uncertain Significance.

NM_020461.4(TUBGCP6):c.1756G>A (p.Val586Met)

Gene: TUBGCP6 (tubulin gamma complex component 6; minus strand). Cytogenetic location: 22q13.33.
Variant type: single nucleotide variant.
Coding change: c.1756G>A on transcript NM_020461.4 (MANE Select); coding-DNA position 1756, G replaced by A.
Protein change: p.Val586Met; replaces valine 586 with methionine.
Molecular consequence: missense variant.
Genome position (GRCh38, 1-based): chr22:50,226,127, C>T on the plus strand (G>A on the coding strand, the complement: TUBGCP6 is on the minus strand). VCF-style: chr22-50226127-C-T. GRCh37 (hg19) VCF-style: chr22-50664556-C-T.
Other names: short protein forms V586M.
Identifiers: ClinVar variation 942417 (VCV000942417.6), dbSNP rs769886455, ClinGen allele CA412105420.